The following is an entry in ClinVar:

ClinVar aggregate classification (germline): Uncertain significance (1 of 4 stars; one submission).

Conditions:
Cardiovascular phenotype. Identifiers: MedGen CN230736.

Allele frequency attached by ClinVar (database versions not stated): gnomAD exomes below 0.00001.
gnomAD v4.1: 1 of 1,614,018 alleles (0.000062%); highest among the groups gnomAD compares: Non-Finnish European, 0.000085%; no homozygotes.

Submission:

Ambry Genetics
Classification: Uncertain significance for Cardiovascular phenotype. Last evaluated: 2021-11-14. Review status: criteria provided, single submitter. Criteria: Ambry Variant Classification Scheme 2023. Collection method: clinical testing. Allele origin: germline.
Comment: The p.I246T variant (also known as c.737T>C), located in coding exon 5 of the MYOZ2 gene, results from a T to C substitution at nucleotide position 737. The isoleucine at codon 246 is replaced by threonine, an amino acid with similar properties. This amino acid position is conserved. In addition, this alteration is predicted to be tolerated by in silico analysis. Since supporting evidence is limited at this time, the clinical significance of this alteration remains unclear.

NM_016599.5(MYOZ2):c.737T>C (p.Ile246Thr)

Gene: MYOZ2 (myozenin 2; plus strand). Cytogenetic location: 4q26.
Variant type: single nucleotide variant.
Coding change: c.737T>C on transcript NM_016599.5 (MANE Select); coding-DNA position 737, T replaced by C.
Protein change: p.Ile246Thr; replaces isoleucine 246 with threonine.
Molecular consequence: missense variant.
Genome position (GRCh38, 1-based): chr4:119,186,142, T>C. VCF-style: chr4-119186142-T-C. GRCh37 (hg19) VCF-style: chr4-120107297-T-C.
Other names: short protein forms I246T.
Identifiers: ClinVar variation 1758609 (VCV001758609.2), dbSNP rs2529809875, ClinGen allele CA358202380.